The following is an entry in ClinVar:

ClinVar aggregate classification (germline): Likely benign (1 of 4 stars; one submission).

Allele frequency attached by ClinVar (database versions not stated): gnomAD 0.00001; TOPMed 0.00001.
gnomAD v4.1: 24 of 1,613,916 alleles (0.0015%); highest among the groups gnomAD compares: Non-Finnish European, 0.0019%; no homozygotes.

Submission:

CeGaT Center for Human Genetics Tuebingen
Classification: Likely benign. Last evaluated: 2022-03-01. Review status: criteria provided, single submitter. Criteria: CeGaT Center For Human Genetics Tuebingen Variant Classification Criteria Version 2. Collection method: clinical testing. Allele origin: germline. Affected: yes. Observed: 1 variant allele.
Comment: CTNNA2: BP4, BP7

NM_001282597.3(CTNNA2):c.1497C>T (p.Ala499=)

Gene: CTNNA2 (catenin alpha 2; plus strand). Cytogenetic location: 2p12.
Variant type: single nucleotide variant.
Coding change: c.1497C>T on transcript NM_001282597.3 (MANE Select); coding-DNA position 1497, C replaced by T.
Protein change: p.Ala499=; no amino-acid change (alanine 499 retained).
Molecular consequence: synonymous variant.
Genome position (GRCh38, 1-based): chr2:80,546,020, C>T. VCF-style: chr2-80546020-C-T. GRCh37 (hg19) VCF-style: chr2-80773145-C-T.
Other names: c.1497C>T, p.Ala499= (NM_001164883.2, NM_001399737.1, NM_004389.4); c.1599C>T, p.Ala533= (NM_001282598.2); c.534C>T, p.Ala178= (NM_001282599.2); c.393C>T, p.Ala131= (NM_001282600.2, NM_001320810.2).
Identifiers: ClinVar variation 2651086 (VCV002651086.24), dbSNP rs200693218, ClinGen allele CA51197438.